The following is an entry in ClinVar:

ClinVar aggregate classification (germline): Uncertain significance. Review status: reviewed by expert panel (3 of 4 stars). 3 submissions from 3 submitters: Uncertain significance (1). 2 of the submissions do not count toward it. Last evaluated 2024-10-29.

Conditions:
Hereditary thrombocytopenia and hematologic cancer predisposition syndrome. Identifiers: Orphanet 71290, MedGen CN281654, MONDO:0011071.
Inborn genetic diseases. Identifiers: MedGen C0950123, MeSH D030342.
Hereditary thrombocytopenia and hematological cancer predisposition syndrome associated with RUNX1. Also called: RUNX1 Familial Platelet Disorder with Associated Myeloid Malignancies; PLATELET DISORDER, ASPIRIN-LIKE; Familial Platelet Disorder with Propensity to Acute Myelogenous Leukemia; Familial thrombocytopenia with propensity to acute myelogenous leukemia. Identifiers: Orphanet 71290, MedGen C1832388, MeSH C563324, MONDO:0100083, OMIM 601399.

Allele frequency attached by ClinVar (database versions not stated): gnomAD exomes below 0.00001 and 0.00001; ExAC 0.00002.
gnomAD v4.1: 4 of 1,613,874 alleles (0.00025%); highest among the groups gnomAD compares: Non-Finnish European, 0.00034%; no homozygotes.

Submissions (3):

ClinGen Myeloid Malignancy Variant Curation Expert Panel
Classification: Uncertain significance for Hereditary thrombocytopenia and hematologic cancer predisposition syndrome. Last evaluated: 2024-10-29. Review status: reviewed by expert panel. Criteria: ClinGen MyeloMalig ACMG Specifications v2. Collection method: curation. Allele origin: germline. Inheritance: Autosomal dominant inheritance.
Comment: NM_001754.5(RUNX1):c.4G>A (p.Ala2Thr) is a missense variant which has a REVEL score < 0.50 (0.393) and a SpliceAI score ≤ 0.20 (0.0) (BP4). In summary, the clinical significance of this variant is uncertain. ACMG/AMP criteria applied, as specified by the Myeloid Malignancy Variant Curation Expert Panel for RUNX1: BP4.

Ambry Genetics
Classification: Uncertain significance for Inborn genetic diseases. Last evaluated: 2025-02-07. Review status: criteria provided, single submitter. Criteria: Ambry Variant Classification Scheme 2023. Collection method: clinical testing. Allele origin: germline. Not counted in ClinVar's aggregate classification.
Comment: The p.A2T variant (also known as c.4G>A), located in coding exon 1 of the RUNX1 gene, results from a G to A substitution at nucleotide position 4. The alanine at codon 2 is replaced by threonine, an amino acid with similar properties. This amino acid position is highly conserved in available vertebrate species. In addition, the in silico prediction for this alteration is inconclusive. Based on the available evidence, the clinical significance of this variant remains unclear.

Labcorp Genetics (formerly Invitae), Labcorp
Classification: Uncertain significance for Hereditary thrombocytopenia and hematological cancer predisposition syndrome associated with RUNX1. Last evaluated: 2021-01-10. Review status: criteria provided, single submitter. Criteria: Invitae Variant Classification Sherloc (09022015). Collection method: clinical testing. Allele origin: germline. Not counted in ClinVar's aggregate classification.
Comment: In summary, the available evidence is currently insufficient to determine the role of this variant in disease. Therefore, it has been classified as a Variant of Uncertain Significance. Algorithms developed to predict the effect of missense changes on protein structure and function are either unavailable or do not agree on the potential impact of this missense change (SIFT: "Tolerated"; PolyPhen-2: "Probably Damaging"; Align-GVGD: "Class C0"). This variant has not been reported in the literature in individuals with RUNX1-related conditions. This variant is present in population databases (rs748052737, ExAC 0.004%). This sequence change replaces alanine with threonine at codon 2 of the RUNX1 protein (p.Ala2Thr). The alanine residue is weakly conserved and there is a small physicochemical difference between alanine and threonine.

NM_001754.5(RUNX1):c.4G>A (p.Ala2Thr)

Gene: RUNX1 (RUNX family transcription factor 1; minus strand). Cytogenetic location: 21q22.12.
Variant type: single nucleotide variant.
Coding change: c.4G>A on transcript NM_001754.5 (MANE Select); coding-DNA position 4, G replaced by A.
Protein change: p.Ala2Thr; replaces alanine 2 with threonine.
Molecular consequence: missense variant.
Genome position (GRCh38, 1-based): chr21:35,048,896, C>T on the plus strand (G>A on the coding strand, the complement: RUNX1 is on the minus strand). VCF-style: chr21-35048896-C-T. GRCh37 (hg19) VCF-style: chr21-36421193-C-T.
Other names: NM_001754.5(RUNX1):c.4G>A; p.Ala2Thr; short protein forms A2T.
Identifiers: ClinVar variation 858272 (VCV000858272.11), dbSNP rs748052737, ClinGen allele CA10014735.